The following is an entry in ClinVar:

ClinVar aggregate classification (germline): Conflicting classifications of pathogenicity. Review status: criteria provided, conflicting classifications (1 of 4 stars). 2 submissions from 2 submitters: Uncertain significance (1); Benign (1). Last evaluated 2023-05-16.

Submissions (2):

GeneDx
Classification: Uncertain significance. Last evaluated: 2023-05-16. Review status: criteria provided, single submitter. Criteria: GeneDx Variant Classification Process June 2021. Collection method: clinical testing. Allele origin: germline. Affected: yes.
Comment: Not observed at significant frequency in large population cohorts (gnomAD); In silico analysis supports that this missense variant does not alter protein structure/function; Has not been previously published as pathogenic or benign to our knowledge

Labcorp Genetics (formerly Invitae), Labcorp
Classification: Benign. Last evaluated: 2022-08-23. Review status: criteria provided, single submitter. Criteria: Invitae Variant Classification Sherloc (09022015). Collection method: clinical testing. Allele origin: germline.

NM_014727.3(KMT2B):c.2236A>G (p.Thr746Ala)

Gene: KMT2B (lysine methyltransferase 2B; plus strand). Cytogenetic location: 19q13.12.
Variant type: single nucleotide variant.
Coding change: c.2236A>G on transcript NM_014727.3 (MANE Select); coding-DNA position 2236, A replaced by G.
Protein change: p.Thr746Ala; replaces threonine 746 with alanine.
Molecular consequence: missense variant.
Genome position (GRCh38, 1-based): chr19:35,721,583, A>G. VCF-style: chr19-35721583-A-G. GRCh37 (hg19) VCF-style: chr19-36212485-A-G.
Other names: c.2236A>G (NM_014727.2); short protein forms T746A.
Identifiers: ClinVar variation 1950052 (VCV001950052.6), dbSNP rs2513318630, ClinGen allele CA405397207.